The following is an entry in ClinVar:

NM_018418.5(SPATA7):c.1622T>C (p.Ile541Thr)

Gene: SPATA7 (spermatogenesis associated 7; plus strand). Cytogenetic location: 14q31.3.
Variant type: single nucleotide variant.
Coding change: c.1622T>C on transcript NM_018418.5 (MANE Select); coding-DNA position 1622, T replaced by C.
Protein change: p.Ile541Thr; replaces isoleucine 541 with threonine.
Molecular consequence: missense variant.
Genome position (GRCh38, 1-based): chr14:88,438,244, T>C. VCF-style: chr14-88438244-T-C. GRCh37 (hg19) VCF-style: chr14-88904588-T-C.
Other names: c.1526T>C, p.Ile509Thr (NM_001040428.4); short protein forms I541T, I509T.
Identifiers: ClinVar variation 314792 (VCV000314792.12), dbSNP rs139510848, ClinGen allele CA7298844.

ClinVar aggregate classification (germline): Uncertain significance. Review status: criteria provided, multiple submitters, no conflicts (2 of 4 stars). 6 submissions from 5 submitters: Uncertain significance (6). Last evaluated 2026-04-10.

Conditions:
SPATA7-related disorder. Also called: SPATA7-related disorders; SPATA7-related condition. Identifiers: MedGen CN239422.
Inborn genetic diseases. Identifiers: MedGen C0950123, MeSH D030342.
Leber congenital amaurosis 3 (LCA3). Also called: SPATA7-Related Retinitis Pigmentosa. Identifiers: MedGen C1858677, MONDO:0011415, OMIM 604232.
Retinitis pigmentosa (RP). Identifiers: Orphanet 791, MedGen C0035334, MeSH D012174, MONDO:0019200, OMIM 268000. Inheritance: Autosomal dominant, autosomal recessive and X linked inheritance.

Allele frequency attached by ClinVar (database versions not stated): TOPMed 0.00006; gnomAD 0.00008 and 0.00009; ESP Exome Variant Server 0.00015; ExAC 0.00021.
gnomAD v4.1: 206 of 1,614,006 alleles (0.013%); highest among the groups gnomAD compares: Non-Finnish European, 0.016%; no homozygotes.

Submissions (6):

PreventionGenetics, part of Exact Sciences
Classification: Uncertain significance for SPATA7-related condition. Last evaluated: 2026-04-10. Review status: criteria provided, single submitter. Criteria: ACMG Guidelines, 2015. Collection method: clinical testing. Allele origin: germline.
Comment: The SPATA7 c.1622T>C variant is predicted to result in the amino acid substitution p.Ile541Thr. To our knowledge, this variant has not been reported in the literature. This variant is reported in 0.029% of alleles in individuals of European (Non-Finnish) descent in gnomAD. At this time, the clinical significance of this variant is uncertain due to the absence of conclusive functional and genetic evidence.

Ambry Genetics
Classification: Uncertain significance for Inborn genetic diseases. Last evaluated: 2024-06-22. Review status: criteria provided, single submitter. Criteria: Ambry Variant Classification Scheme 2023. Collection method: clinical testing. Allele origin: germline.

Blueprint Genetics
Classification: Uncertain significance. Last evaluated: 2024-05-10. Review status: criteria provided, single submitter. Criteria: ACMG Guidelines, 2015. Collection method: clinical testing. Allele origin: germline.

Labcorp Genetics (formerly Invitae), Labcorp
Classification: Uncertain significance for Leber congenital amaurosis 3. Last evaluated: 2022-10-28. Review status: criteria provided, single submitter. Criteria: Invitae Variant Classification Sherloc (09022015). Collection method: clinical testing. Allele origin: germline.
Comment: This sequence change replaces isoleucine, which is neutral and non-polar, with threonine, which is neutral and polar, at codon 541 of the SPATA7 protein (p.Ile541Thr). This variant is present in population databases (rs139510848, gnomAD 0.03%). This variant has not been reported in the literature in individuals affected with SPATA7-related conditions. ClinVar contains an entry for this variant (Variation ID: 314792). Advanced modeling of protein sequence and biophysical properties (such as structural, functional, and spatial information, amino acid conservation, physicochemical variation, residue mobility, and thermodynamic stability) performed at Invitae indicates that this missense variant is not expected to disrupt SPATA7 protein function. In summary, the available evidence is currently insufficient to determine the role of this variant in disease. Therefore, it has been classified as a Variant of Uncertain Significance.

Illumina Laboratory Services, Illumina
Classification: Uncertain significance for Retinitis pigmentosa. Last evaluated: 2018-01-13. Review status: criteria provided, single submitter. Criteria: ICSL Variant Classification Criteria 13 December 2019. Collection method: clinical testing. Allele origin: germline.

Illumina Laboratory Services, Illumina
Classification: Uncertain significance for Leber congenital amaurosis 3. Last evaluated: 2018-01-13. Review status: criteria provided, single submitter. Criteria: ICSL Variant Classification Criteria 13 December 2019. Collection method: clinical testing. Allele origin: germline.